The following is an entry in ClinVar:

ClinVar aggregate classification (germline): Uncertain significance. Review status: criteria provided, multiple submitters, no conflicts (2 of 4 stars). 2 submissions from 2 submitters: Uncertain significance (2). Last evaluated 2021-09-07.

Conditions:
Hereditary pancreatitis (PCTT). Also called: PRSS1-Related Hereditary Pancreatitis; Hereditary chronic pancreatitis. Identifiers: Orphanet 676, MedGen C0238339, MONDO:0008185, OMIM 167800.

Submissions (2):

Ambry Genetics
Classification: Uncertain significance for Hereditary pancreatitis. Last evaluated: 2021-09-07. Review status: criteria provided, single submitter. Criteria: Ambry Variant Classification Scheme 2023. Collection method: clinical testing. Allele origin: germline.
Comment: The p.Q174H variant (also known as c.522G>C), located in coding exon 6 of the CTRC gene, results from a G to C substitution at nucleotide position 522. The glutamine at codon 174 is replaced by histidine, an amino acid with highly similar properties. This amino acid position is conserved. In addition, this alteration is predicted to be deleterious by in silico analysis. Since supporting evidence is limited at this time, the clinical significance of this alteration remains unclear.

Labcorp Genetics (formerly Invitae), Labcorp
Classification: Uncertain significance for Hereditary pancreatitis. Last evaluated: 2021-01-18. Review status: criteria provided, single submitter. Criteria: Invitae Variant Classification Sherloc (09022015). Collection method: clinical testing. Allele origin: germline.
Comment: This sequence change replaces glutamine with histidine at codon 174 of the CTRC protein (p.Gln174His). The glutamine residue is highly conserved and there is a small physicochemical difference between glutamine and histidine. This variant is not present in population databases (ExAC no frequency). This variant has not been reported in the literature in individuals with CTRC-related conditions. Advanced modeling of protein sequence and biophysical properties (such as structural, functional, and spatial information, amino acid conservation, physicochemical variation, residue mobility, and thermodynamic stability) performed at Invitae indicates that this missense variant is expected to disrupt CTRC protein function. In summary, the available evidence is currently insufficient to determine the role of this variant in disease. Therefore, it has been classified as a Variant of Uncertain Significance.

NM_007272.3(CTRC):c.522G>C (p.Gln174His)

Gene: CTRC (chymotrypsin C; plus strand). Cytogenetic location: 1p36.21.
Variant type: single nucleotide variant.
Coding change: c.522G>C on transcript NM_007272.3 (MANE Select); coding-DNA position 522, G replaced by C.
Protein change: p.Gln174His; replaces glutamine 174 with histidine.
Molecular consequence: missense variant.
Genome position (GRCh38, 1-based): chr1:15,444,634, G>C. VCF-style: chr1-15444634-G-C. GRCh37 (hg19) VCF-style: chr1-15771129-G-C.
Other names: short protein forms Q174H.
Identifiers: ClinVar variation 1351261 (VCV001351261.10), dbSNP rs2103292282, ClinGen allele CA338567009.